The following is an entry in ClinVar:

ClinVar aggregate classification (germline): Uncertain significance (1 of 4 stars; one submission).

Conditions:
Hereditary pancreatitis (PCTT). Also called: PRSS1-Related Hereditary Pancreatitis; Hereditary chronic pancreatitis. Identifiers: Orphanet 676, MedGen C0238339, MONDO:0008185, OMIM 167800.

Submission:

Ambry Genetics
Classification: Uncertain significance for Hereditary pancreatitis. Last evaluated: 2025-01-05. Review status: criteria provided, single submitter. Criteria: Ambry Variant Classification Scheme 2023. Collection method: clinical testing. Allele origin: germline.
Comment: The p.T164P variant (also known as c.490A>C), located in coding exon 5 of the CPA1 gene, results from an A to C substitution at nucleotide position 490. The threonine at codon 164 is replaced by proline, an amino acid with highly similar properties. This amino acid position is conserved. In addition, the in silico prediction for this alteration is inconclusive. Based on the available evidence, the clinical significance of this variant remains unclear.

NM_001868.4(CPA1):c.490A>C (p.Thr164Pro)

Gene: CPA1 (carboxypeptidase A1; plus strand). Cytogenetic location: 7q32.2.
Variant type: single nucleotide variant.
Coding change: c.490A>C on transcript NM_001868.4 (MANE Select); coding-DNA position 490, A replaced by C.
Protein change: p.Thr164Pro; replaces threonine 164 with proline.
Molecular consequence: missense variant.
Genome position (GRCh38, 1-based): chr7:130,383,397, A>C. VCF-style: chr7-130383397-A-C. GRCh37 (hg19) VCF-style: chr7-130023238-A-C.
Other names: short protein forms T164P.
Identifiers: ClinVar variation 3835752 (VCV003835752.1).
Genomic context (GRCh38, chr7:130,383,397, plus strand): 5'-GATGAGGCCTCAGCTGTGAAATTGCCTCTGATCACTCCCCTGCCTCCTCTCCAGTTCAGC[A>C]CGGGGGGCAGTAAGCGTCCAGCCATCTGGATCGACACGGGCATCCATTCCCGGGAGTGGG-3'
Protein context (NP_001859.1, residues 154-174): GRPIYVLKFS[Thr164Pro]GGSKRPAIWI